The following is an entry in ClinVar:

ClinVar aggregate classification (germline): Uncertain significance. Review status: criteria provided, multiple submitters, no conflicts (2 of 4 stars). 5 submissions from 5 submitters: Uncertain significance (5). Last evaluated 2024-03-06.

Conditions:
Arrhythmogenic cardiomyopathy with wooly hair and keratoderma. Also called: PALMOPLANTAR KERATODERMA WITH LEFT VENTRICULAR CARDIOMYOPATHY AND WOOLLY HAIR; Arrhythmogenic cardiomyopathy with woolly hair and keratoderma; Dilated cardiomyopathy with woolly hair and keratoderma; Carvajal syndrome. Identifiers: Orphanet 65282, MedGen C1854063, MONDO:0011581, OMIM 605676.
Arrhythmogenic right ventricular dysplasia 8 (ARVD8). Also called: Arrhythmogenic Right Ventricular Dysplasia/Cardiomyopathy 8; ARRHYTHMOGENIC RIGHT VENTRICULAR DYSPLASIA, FAMILIAL, 8; ARRHYTHMOGENIC RIGHT VENTRICULAR CARDIOMYOPATHY 8. Identifiers: MedGen C1843896, MONDO:0011831, OMIM 607450.
Cardiomyopathy (CMYO). Also called: Cardiomyopathies. Identifiers: Orphanet 167848, MedGen C0878544, MONDO:0004994, HP:0001638. Inheritance: Various modes of inheritance.

Allele frequency attached by ClinVar (database versions not stated): gnomAD exomes below 0.00001; TOPMed below 0.00001; ESP Exome Variant Server 0.00008.
gnomAD v4.1: 3 of 1,614,152 alleles (0.00019%); highest among the groups gnomAD compares: Non-Finnish European, 0.00025%; no homozygotes.

Submissions (5):

Color Diagnostics, LLC DBA Color Health
Classification: Uncertain significance for Cardiomyopathy. Last evaluated: 2024-03-06. Review status: criteria provided, single submitter. Criteria: ACMG Guidelines, 2015. Collection method: clinical testing. Allele origin: germline.
Comment: This missense variant replaces serine with proline at codon 920 of the DSP protein. Computational prediction suggests that this variant may not impact protein structure and function (internally defined REVEL score threshold <= 0.5, PMID: 27666373). To our knowledge, functional studies have not been reported for this variant. This variant has not been reported in individuals affected with DSP-related disorders in the literature. This variant has not been identified in the general population by the Genome Aggregation Database (gnomAD). The available evidence is insufficient to determine the role of this variant in disease conclusively. Therefore, this variant is classified as a Variant of Uncertain Significance.

Labcorp Genetics (formerly Invitae), Labcorp
Classification: Uncertain significance for Arrhythmogenic cardiomyopathy with wooly hair and keratoderma; Arrhythmogenic right ventricular dysplasia 8. Last evaluated: 2023-10-18. Review status: criteria provided, single submitter. Criteria: Invitae Variant Classification Sherloc (09022015). Collection method: clinical testing. Allele origin: germline.
Comment: This sequence change replaces serine, which is neutral and polar, with proline, which is neutral and non-polar, at codon 920 of the DSP protein (p.Ser920Pro). This variant is not present in population databases (gnomAD no frequency). This variant has not been reported in the literature in individuals affected with DSP-related conditions. ClinVar contains an entry for this variant (Variation ID: 44880). An algorithm developed to predict the effect of missense changes on protein structure and function (PolyPhen-2) suggests that this variant is likely to be tolerated. In summary, the available evidence is currently insufficient to determine the role of this variant in disease. Therefore, it has been classified as a Variant of Uncertain Significance.

All of Us Research Program, National Institutes of Health
Classification: Uncertain significance for Arrhythmogenic cardiomyopathy with wooly hair and keratoderma. Last evaluated: 2023-07-19. Review status: criteria provided, single submitter. Criteria: ACMG Guidelines, 2015. Collection method: clinical testing. Allele origin: germline. Inheritance: Autosomal dominant inheritance. Observed: 2 variant alleles, 2 heterozygotes.
Comment: This missense variant replaces serine with proline at codon 920 of the DSP protein. Computational prediction suggests that this variant may not impact protein structure and function (internally defined REVEL score threshold <= 0.5, PMID: 27666373). To our knowledge, functional studies have not been reported for this variant. This variant has not been reported in individuals affected with DSP-related disorders in the literature. This variant has not been identified in the general population by the Genome Aggregation Database (gnomAD). The available evidence is insufficient to determine the role of this variant in disease conclusively. Therefore, this variant is classified as a Variant of Uncertain Significance.

This study involves interpretation of variants in research participants for the purpose of population health screening. Participant phenotype was not available at the time of variant classification. Additional details can be found in publication PMID: 35346344, PMCID: PMC8962531

Blueprint Genetics
Classification: Uncertain significance. Last evaluated: 2023-06-27. Review status: criteria provided, single submitter. Criteria: ACMG Guidelines, 2015. Collection method: clinical testing. Allele origin: germline.

Laboratory for Molecular Medicine, Mass General Brigham Personalized Medicine
Classification: Uncertain significance. Last evaluated: 2017-12-05. Review status: criteria provided, single submitter. Criteria: LMM Criteria. Collection method: clinical testing. Allele origin: germline. Observed: 1 variant allele.
Comment: proposed classification - variant undergoing re-assessment, contact laboratory

NM_004415.4(DSP):c.2758T>C (p.Ser920Pro)

Gene: DSP (desmoplakin; plus strand). Cytogenetic location: 6p24.3.
Variant type: single nucleotide variant.
Coding change: c.2758T>C on transcript NM_004415.4 (MANE Select); coding-DNA position 2758, T replaced by C.
Protein change: p.Ser920Pro; replaces serine 920 with proline.
Molecular consequence: missense variant.
Genome position (GRCh38, 1-based): chr6:7,576,421, T>C. VCF-style: chr6-7576421-T-C. GRCh37 (hg19) VCF-style: chr6-7576654-T-C.
Other names: c.2758T>C, p.Ser920Pro (NM_001008844.3, NM_001319034.2); short protein forms S920P.
Identifiers: ClinVar variation 44880 (VCV000044880.11), dbSNP rs373804924, ClinGen allele CA005575.